The following is an entry in ClinVar:

ClinVar aggregate classification (germline): Pathogenic (1 of 4 stars; one submission).

Conditions:
Hereditary breast ovarian cancer syndrome. Also called: Hereditary breast and ovarian cancer syndrome; Hereditary breast and ovarian cancer syndrome (HBOC); Hereditary breast and ovarian cancer; Breast and ovarian cancer; BRCA1- and BRCA2-Associated Hereditary Breast and Ovarian Cancer; Hereditary breast and/or ovarian cancer syndrome. Identifiers: Orphanet 145, MedGen C0677776, MeSH D061325, MONDO:0003582. Disease mechanism: loss of function.

Submission:

Labcorp Genetics (formerly Invitae), Labcorp
Classification: Pathogenic for Hereditary breast ovarian cancer syndrome. Last evaluated: 2022-02-04. Review status: criteria provided, single submitter. Criteria: Invitae Variant Classification Sherloc (09022015). Collection method: clinical testing. Allele origin: germline.
Comment: This premature translational stop signal has been observed in individual(s) with ovarian cancer (PMID: 28692638). For these reasons, this variant has been classified as Pathogenic. This variant is not present in population databases (gnomAD no frequency). This sequence change creates a premature translational stop signal (p.Lys2128Ilefs*2) in the BRCA2 gene. It is expected to result in an absent or disrupted protein product. Loss-of-function variants in BRCA2 are known to be pathogenic (PMID: 20104584).

Literature cited by the submitters: PubMed 28692638; PubMed 20104584.

NM_000059.4(BRCA2):c.6383_6387del (p.Lys2128fs)

Gene: BRCA2 (BRCA2 DNA repair associated; plus strand). Cytogenetic location: 13q13.1.
Variant type: Deletion.
Coding change: c.6383_6387del on transcript NM_000059.4 (MANE Select); coding-DNA positions 6383 to 6387, 5 bases deleted (AAGAA; older notation c.6383_6387delAAGAA).
Protein change: p.Lys2128fs; shifts the reading frame from lysine 2128.
Molecular consequence: frameshift variant.
Genome position (GRCh38, 1-based): chr13:32,340,738-32,340,742, AAGAA deleted; deleting any 5 consecutive bases within chr13:32,340,737-32,340,742 gives the same sequence; the c. name uses the placement nearest the transcript's 3' end. VCF-style (leftmost placement, unchanged base first): chr13-32340736-TAAAGA-T. GRCh37 (hg19) VCF-style: chr13-32914873-TAAAGA-T.
Other names: c.6383_6387delAAGAA, p.Lys2128Ilefs (NM_001406719.1, NM_001406720.1); short protein forms K2128fs.
Identifiers: ClinVar variation 2419036 (VCV002419036.8), dbSNP rs1566234457, ClinGen allele CA919242697.